The following is an entry in ClinVar:

ClinVar aggregate classification (germline): Uncertain significance (1 of 4 stars; one submission).

Conditions:
Familial thoracic aortic aneurysm and aortic dissection (TAAD). Also called: Thoracic aortic aneurysms and dissections. Identifiers: Orphanet 91387, MedGen C4707243, MONDO:0019625.

Submission:

Ambry Genetics
Classification: Uncertain significance for Familial thoracic aortic aneurysm and aortic dissection. Last evaluated: 2026-07-02. Review status: criteria provided, single submitter. Criteria: Ambry Variant Classification Scheme 2023. Collection method: clinical testing. Allele origin: germline.
Comment: The p.E1870G variant (also known as c.5609A>G), located in coding exon 38 of the MYH11 gene, results from an A to G substitution at nucleotide position 5609. The glutamic acid at codon 1870 is replaced by glycine, an amino acid with similar properties. This amino acid position is conserved. In addition, the in silico prediction for this alteration is inconclusive. Based on the available evidence, the clinical significance of this variant remains unclear.

NM_002474.3(MYH11):c.5609A>G (p.Glu1870Gly)

Genes: MYH11 (myosin heavy chain 11; minus strand), NDE1 (nudE neurodevelopment protein 1; plus strand). Cytogenetic location: 16p13.11.
Variant type: single nucleotide variant.
Coding change: c.5609A>G on transcript NM_002474.3 (MANE Select); coding-DNA position 5609, A replaced by G.
Protein change: p.Glu1870Gly; replaces glutamic acid 1870 with glycine.
Molecular consequence: missense variant. On other transcripts: intron variant (2).
Genome position (GRCh38, 1-based): chr16:15,715,168, T>C on the plus strand (A>G on the coding strand, the complement: MYH11 is on the minus strand). VCF-style: chr16-15715168-T-C. GRCh37 (hg19) VCF-style: chr16-15809025-T-C.
Other names: c.5609A>G, p.Glu1870Gly (NM_022844.3); c.948-9023T>C (NM_001143979.2, NM_017668.3); c.5630A>G, p.Glu1877Gly (NM_001040113.2, NM_001040114.2); short protein forms E1877G, E1870G.
Identifiers: ClinVar variation 5025066 (VCV005025066.1).